The following is an entry in ClinVar:

ClinVar aggregate classification (germline): Uncertain significance. Review status: criteria provided, multiple submitters, no conflicts (2 of 4 stars). 2 submissions from 2 submitters: Uncertain significance (2). Last evaluated 2025-02-14.

Conditions:
Inborn genetic diseases. Identifiers: MedGen C0950123, MeSH D030342.

gnomAD v4.1: 8 of 1,614,188 alleles (0.0005%); highest among the groups gnomAD compares: Non-Finnish European, 0.00068%; no homozygotes.

Submissions (2):

Ambry Genetics
Classification: Uncertain significance for Inborn genetic diseases. Last evaluated: 2025-02-14. Review status: criteria provided, single submitter. Criteria: Ambry Variant Classification Scheme 2023. Collection method: clinical testing. Allele origin: germline.
Comment: The p.S309R variant (also known as c.927T>A), located in coding exon 11 of the FANCA gene, results from a T to A substitution at nucleotide position 927. The serine at codon 309 is replaced by arginine, an amino acid with dissimilar properties. This amino acid position is conserved. In addition, this alteration is predicted to be tolerated by in silico analysis. Based on the available evidence, the clinical significance of this variant remains unclear.

Quest Diagnostics Nichols Institute San Juan Capistrano
Classification: Uncertain significance. Last evaluated: 2023-06-20. Review status: criteria provided, single submitter. Criteria: Quest Diagnostics criteria. Collection method: clinical testing. Allele origin: unknown.
Comment: To the best of our knowledge, this variant has not been reported in the published literature. The frequency of this variant in the general population, 0.000004 (1/251446 chromosomes (Genome Aggregation Database)), is uninformative in the assessment of its pathogenicity. Analysis of this variant using bioinformatics tools for the prediction of the effect of amino acid changes on protein structure and function yielded predictions that this variant is benign. Based on the available information, we are unable to determine the clinical significance of this variant.

NM_000135.4(FANCA):c.927T>A (p.Ser309Arg)

Gene: FANCA (FA complementation group A; minus strand). Cytogenetic location: 16q24.3.
Variant type: single nucleotide variant.
Coding change: c.927T>A on transcript NM_000135.4 (MANE Select); coding-DNA position 927, T replaced by A.
Protein change: p.Ser309Arg; replaces serine 309 with arginine.
Molecular consequence: missense variant.
Genome position (GRCh38, 1-based): chr16:89,795,985, A>T on the plus strand (T>A on the coding strand, the complement: FANCA is on the minus strand). VCF-style: chr16-89795985-A-T. GRCh37 (hg19) VCF-style: chr16-89862393-A-T.
Other names: c.927T>A, p.Ser309Arg (NM_001286167.3); short protein forms S309R.
Identifiers: ClinVar variation 2681916 (VCV002681916.2), dbSNP rs780226614, ClinGen allele CA397470255.